The following is an entry in ClinVar:

ClinVar aggregate classification (germline): Pathogenic. Review status: criteria provided, multiple submitters, no conflicts (2 of 4 stars). 14 submissions from 14 submitters: Pathogenic (13). 1 of the submissions does not count toward it. Last evaluated 2025-09-02.

Conditions:
ATM-related cancer predisposition. Also called: ATM-related cancer susceptibility. Identifiers: MedGen CN377759, MONDO:0700270.
Hereditary cancer-predisposing syndrome. Also called: Hereditary Cancer Syndrome; Neoplastic Syndromes, Hereditary; Tumor predisposition; Hereditary neoplastic syndrome. Identifiers: Orphanet 140162, MedGen C0027672, MeSH D009386, MONDO:0015356.
Familial cancer of breast. Also called: BREAST CANCER, FAMILIAL; hereditary breast carcinoma; Hereditary breast cancer. Identifiers: Orphanet 227535, MedGen C0346153, MONDO:0016419, OMIM 114480. Disease mechanism: loss of function.
Ataxia-telangiectasia syndrome (AT). Also called: ATAXIA-TELANGIECTASIA, COMPLEMENTATION GROUP A; ATAXIA-TELANGIECTASIA, FRESNO VARIANT; Ataxia-telangiectasia; LOUIS-BAR SYNDROME; Ataxia telangiectasia (A-T); Ataxia-telangiectasia, complementation group D. Identifiers: Orphanet 100, MedGen C0004135, MONDO:0008840, OMIM 208900.

Submissions (14):

Dasa
Classification: Pathogenic for ATM-related cancer predisposition. Last evaluated: 2025-09-02. Review status: criteria provided, single submitter. Criteria: DASA Assertion Criteria. Collection method: clinical testing. Allele origin: germline.
Comment: NM_000051.4(ATM):c.640del (p.Ser214ProfsTer16) introduces a premature termination codon predicted to result in loss of normal protein function. Loss-of-function is an established mechanism of disease for this gene. The affected residue or protein region has prior evidence supporting clinical relevance. This variant has been recurrently observed in affected individuals with ATM-related cancer predisposition in a genotype context consistent with recessive disease (PMID: 26681312; PMID: 15039971; PMID: 21965147). Functional evidence supports a deleterious effect on the gene or gene product (PMID: 26681312; PMID: 15039971; PMID: 21965147). The variant is present at low frequency in population datasets. Based on the available data, this variant is classified as pathogenic.

Labcorp Genetics (formerly Invitae), Labcorp
Classification: Pathogenic for Ataxia-telangiectasia syndrome. Last evaluated: 2025-06-27. Review status: criteria provided, single submitter. Criteria: Invitae Variant Classification Sherloc (09022015). Collection method: clinical testing. Allele origin: germline.
Comment: This sequence change creates a premature translational stop signal (p.Ser214Profs*16) in the ATM gene. It is expected to result in an absent or disrupted protein product. Loss-of-function variants in ATM are known to be pathogenic (PMID: 23807571, 25614872). This variant is not present in population databases (gnomAD no frequency). This premature translational stop signal has been observed in individual(s) with breast cancer or referred for cancer panel testing and ataxia-telangiectasia (PMID: 8789452, 12815592, 15039971, 21445571, 21965147, 26681312). ClinVar contains an entry for this variant (Variation ID: 188895). For these reasons, this variant has been classified as Pathogenic.

Athena Diagnostics
Classification: Pathogenic. Last evaluated: 2024-12-03. Review status: criteria provided, single submitter. Criteria: Athena Diagnostics Criteria. Collection method: clinical testing. Allele origin: unknown.
Comment: This variant is expected to result in the loss of a functional protein. This variant has not been reported in large, multi-ethnic general populations. This variant has been identified in multiple unrelated individuals with clinical features associated with autosomal recessive ataxia-telangiectasia. This variant has also been observed in individuals with breast cancer. In multiple individuals, this variant has been seen with a single recessive pathogenic variant in the same gene, suggesting this variant may also be pathogenic.

Ambry Genetics
Classification: Pathogenic for Hereditary cancer-predisposing syndrome. Last evaluated: 2024-11-26. Review status: criteria provided, single submitter. Criteria: Ambry Variant Classification Scheme 2023. Collection method: clinical testing. Allele origin: germline.
Comment: The c.640delT pathogenic mutation, located in coding exon 5 of the ATM gene, results from a deletion of one nucleotide at nucleotide position 640, causing a translational frameshift with a predicted alternate stop codon (p.S214Pfs*16). This mutation, either in a homozygous state or in conjunction with another pathogenic mutation in the ATM gene, has been reported in multiple patients diagnosed with ataxia-telangiectasia (Byrd PJ et al. Hum. Mol. Genet. 1996 Jan;5:145-9; Mitui M et al. Hum Mutat. 2003 Jul;22:43-50; Coutinho G et al. Am J Med Genet A. 2004 Apr;126A:33-40; Demuth I et al. Neurogenetics. 2011 Nov;12:273-82; Carranza D et al. Neuromolecular Med. 2017 Mar;19:161-174). This alteration has also been detected in several patients diagnosed with breast cancer (Yang Z et al. Breast Cancer Res Treat. 2019 Apr;174:639-647; Tavera-Tapia A et al. Breast Cancer Res Treat. 2017 02;161:597-604). This variant is considered to be rare based on population cohorts in the Genome Aggregation Database (gnomAD). In addition to the clinical data presented in the literature, this alteration is expected to result in loss of function by premature protein truncation or nonsense-mediated mRNA decay. As such, this alteration is interpreted as a disease-causing mutation.

Baylor Genetics
Classification: Pathogenic for Familial cancer of breast. Last evaluated: 2024-01-16. Review status: criteria provided, single submitter. Criteria: ACMG Guidelines, 2015. Collection method: clinical testing. Allele origin: unknown.

Myriad Genetics, Inc.
Classification: Pathogenic for Familial cancer of breast. Last evaluated: 2024-01-10. Review status: criteria provided, single submitter. Criteria: Myriad Autosomal Dominant, Autosomal Recessive and X-Linked Classification Criteria (2023). Collection method: clinical testing. Allele origin: unknown.
Comment: This variant is considered pathogenic. This variant creates a frameshift predicted to result in premature protein truncation.

Quest Diagnostics Nichols Institute San Juan Capistrano
Classification: Pathogenic. Last evaluated: 2023-10-16. Review status: criteria provided, single submitter. Criteria: Quest Diagnostics criteria. Collection method: clinical testing. Allele origin: unknown.
Comment: The ATM c.640del (p.Ser214Profs*16) variant alters the translational reading frame of the ATM mRNA and causes the premature termination of ATM protein synthesis. In the published literature, this variant has been reported in individuals with ataxia-telangiectasia (PMIDs: 30549301 (2019), 21965147 (2011), 15039971 (2004), 12815592 (2003)) and breast cancer (PMIDs: 30607632 (2019), 30159786 (2018), 28724667 (2017)). This variant has not been reported in large, multi-ethnic general populations (Genome Aggregation Database). Based on the available information, this variant is classified as pathogenic.

Color Diagnostics, LLC DBA Color Health
Classification: Pathogenic for Hereditary cancer-predisposing syndrome. Last evaluated: 2023-02-27. Review status: criteria provided, single submitter. Criteria: ACMG Guidelines, 2015. Collection method: clinical testing. Allele origin: germline.
Comment: This variant deletes 1 nucleotide in exon 6 of the ATM gene, creating a frameshift and premature translation stop signal. This variant is expected to result in an absent or non-functional protein product. This variant has been reported in individuals affected with ataxia-telangiectasia (PMID: 8789452, 15039971, 21965147), breast cancer (PMID: 27913932, 36329109), and an individual referred for cancer screening (PMID: 26681312). This variant has not been identified in the general population by the Genome Aggregation Database (gnomAD). Loss of ATM function is a known mechanism of disease. Based on the available evidence, this variant is classified as Pathogenic.

Department of Pathology and Laboratory Medicine, Sinai Health System
Classification: Pathogenic for Familial cancer of breast; Ataxia-telangiectasia syndrome. Last evaluated: 2021-04-26. Review status: criteria provided, single submitter. Criteria: ACMG Guidelines, 2015. Collection method: clinical testing. Allele origin: germline. Affected: yes.

Laboratorio de Genetica e Diagnostico Molecular, Hospital Israelita Albert Einstein
Classification: Pathogenic. Last evaluated: 2021-01-21. Review status: criteria provided, single submitter. Criteria: ACMG Guidelines, 2015. Collection method: clinical testing. Allele origin: germline. Affected: yes.
Comment: ACMG classification criteria: PVS1, PS4, PM2, PM3

Women's Health and Genetics/Laboratory Corporation of America, LabCorp
Classification: Pathogenic for Ataxia-telangiectasia syndrome. Last evaluated: 2020-11-16. Review status: criteria provided, single submitter. Criteria: LabCorp Variant Classification Summary - May 2015. Collection method: clinical testing. Allele origin: germline.
Comment: Variant summary: ATM c.640delT (p.Ser214ProfsX16) results in a premature termination codon, predicted to cause a truncation of the encoded protein or absence of the protein due to nonsense mediated decay, which are commonly known mechanisms for disease. Truncations downstream of this position have been classified as pathogenic by our laboratory. The variant was absent in 251182 control chromosomes. c.640delT has been reported in the literature in multiple individuals affected with Ataxia-Telangiectasia (e.g. Byrd_1996, Mitui_2003, Coutinho_2004, Demuth_2011). These data indicate that the variant is very likely to be associated with disease. To our knowledge, no experimental evidence demonstrating an impact on protein function has been reported. Five clinical diagnostic laboratories have submitted clinical-significance assessments for this variant to ClinVar after 2014 without evidence for independent evaluation. All laboratories cited the variant as pathogenic. Based on the evidence outlined above, the variant was classified as pathogenic.

Mendelics
Classification: Pathogenic for Ataxia-telangiectasia syndrome. Last evaluated: 2018-07-02. Review status: criteria provided, single submitter. Criteria: Mendelics Assertion Criteria 2017. Collection method: clinical testing. Allele origin: unknown.

GeneDx
Classification: Pathogenic. Last evaluated: 2018-04-27. Review status: criteria provided, single submitter. Criteria: GeneDx Variant Classification (06012015). Collection method: clinical testing. Allele origin: germline. Affected: yes.
Comment: This deletion of one nucleotide in ATM is denoted c.640delT at the cDNA level and p.Ser214ProfsX16 (S214PfsX16) at the protein level. The normal sequence, with the base that is deleted in brackets, is CTTTTTT[delT]CCAA. The deletion causes a frameshift which changes a Serine to a Proline at codon 214, and creates a premature stop codon at position 16 of the new reading frame. This variant is predicted to cause loss of normal protein function through either protein truncation or nonsense-mediated mRNA decay. ATM Ser214ProfsX16 is reported to be a Spanish founder variant and has been observed in both individuals with ataxia telangiectasia and breast cancer (Byrd 1996, Mitui 2003, Coutinho 2004, Demuth 2011, Carranza 2017, Tavera-Tapia 2017). We consider this variant to be pathogenic.

Counsyl
Classification: Likely pathogenic for Ataxia-telangiectasia syndrome. Last evaluated: 2014-07-23. Review status: no assertion criteria provided. Collection method: literature only. Allele origin: unknown. Inheritance: Autosomal recessive inheritance. Not counted in ClinVar's aggregate classification.

Literature cited by the submitters: PubMed 26681312 (cited by 5 submitters); PubMed 15039971 (cited by 8 submitters); PubMed 21965147 (cited by 8 submitters); PubMed 23807571 (cited by Labcorp Genetics (formerly Invitae), Labcorp); PubMed 25614872 (cited by Labcorp Genetics (formerly Invitae), Labcorp); PubMed 8789452 (cited by 6 submitters); PubMed 12815592 (cited by 7 submitters); PubMed 21445571 (cited by Labcorp Genetics (formerly Invitae), Labcorp); PubMed 28724667 (cited by Athena Diagnostics and Quest Diagnostics Nichols Institute San Juan Capistrano); PubMed 30607632 (cited by 3 submitters); PubMed 30159786 (cited by Athena Diagnostics and Quest Diagnostics Nichols Institute San Juan Capistrano); PubMed 30549301 (cited by 3 submitters); PubMed 36329109 (cited by 3 submitters); PubMed 27913932 (cited by 4 submitters); PubMed 27664052 (cited by 3 submitters); PubMed 36387226 (cited by Athena Diagnostics and Quest Diagnostics Nichols Institute San Juan Capistrano); PubMed 37438524 (cited by Athena Diagnostics and Quest Diagnostics Nichols Institute San Juan Capistrano); PubMed 9463314 (cited by Department of Pathology and Laboratory Medicine, Sinai Health System and Women's Health and Genetics/Laboratory Corporation of America, LabCorp); PubMed 26896183 (cited by Women's Health and Genetics/Laboratory Corporation of America, LabCorp).

NM_000051.4(ATM):c.640del (p.Ser214fs)

Gene: ATM (ATM serine/threonine kinase; plus strand). Cytogenetic location: 11q22.3.
Variant type: Deletion.
Coding change: c.640del on transcript NM_000051.4 (MANE Select); coding-DNA position 640, one base deleted (T; older notation c.640delT).
Protein change: p.Ser214fs; shifts the reading frame from serine 214.
Molecular consequence: frameshift variant.
Genome position (GRCh38, 1-based): chr11:108,244,096, T deleted; the last of 7 consecutive T bases (chr11:108,244,090-108,244,096); deleting any one gives the same sequence. VCF-style (leftmost placement, unchanged base first): chr11-108244089-CT-C. GRCh37 (hg19) VCF-style: chr11-108114816-CT-C.
Other names: c.640delT (NM_000051.3); c.634delT (NM_000051.4); c.640del, p.Ser214fs (NM_001351834.2); short protein forms S214fs.
Identifiers: ClinVar variation 188895 (VCV000188895.32), dbSNP rs786204543, ClinGen allele CA274091.
Genomic context (GRCh38, chr11:108,244,089, plus strand): 5'-TCATGCTGTTACCAAAGGATGCTGTTCTCAGACTGACGGATTAAATTCCAAATTTTTGGA[CT>C]TTTTTTCCAAGGCTATTCAGTGTGCGAGGTAATCTAATCTCTTTTTCTTTTGTTTTGTAT-3'